The following is an entry in ClinVar:

NM_004525.3(LRP2):c.8901C>G (p.Pro2967=)

Gene: LRP2 (LDL receptor related protein 2; minus strand). Cytogenetic location: 2q31.1.
Variant type: single nucleotide variant.
Coding change: c.8901C>G on transcript NM_004525.3 (MANE Select); coding-DNA position 8901, C replaced by G.
Protein change: p.Pro2967=; no amino-acid change (proline 2967 retained).
Molecular consequence: synonymous variant.
Genome position (GRCh38, 1-based): chr2:169,191,963, G>C on the plus strand (C>G on the coding strand, the complement: LRP2 is on the minus strand). VCF-style: chr2-169191963-G-C. GRCh37 (hg19) VCF-style: chr2-170048473-G-C.
Identifiers: ClinVar variation 332119 (VCV000332119.41), dbSNP rs145179638, ClinGen allele CA1953717.

ClinVar aggregate classification (germline): Conflicting classifications of pathogenicity. Review status: criteria provided, conflicting classifications (1 of 4 stars). 5 submissions from 5 submitters: Uncertain significance (1); Likely benign (4). Last evaluated 2026-01-28.

Conditions:
Donnai-Barrow syndrome. Also called: DBS/FOAR SYNDROME; FACIOOCULOACOUSTICORENAL SYNDROME. Identifiers: Orphanet 2143, MedGen C1857277, MONDO:0009104, OMIM 222448.

Allele frequency attached by ClinVar (database versions not stated): ESP Exome Variant Server 0.00015; 1000 Genomes Project 0.00040; gnomAD 0.00045; 1000 Genomes Project 30x 0.00047; ExAC 0.00048; TOPMed 0.00049; gnomAD exomes 0.00050 and 0.00053.
gnomAD v4.1: 806 of 1,614,106 alleles (0.05%); highest among the groups gnomAD compares: Middle Eastern, 0.48%; 2 homozygotes.

Submissions (5):

Labcorp Genetics (formerly Invitae), Labcorp
Classification: Likely benign. Last evaluated: 2026-01-28. Review status: criteria provided, single submitter. Criteria: Invitae Variant Classification Sherloc (09022015). Collection method: clinical testing. Allele origin: germline.

Blueprint Genetics
Classification: Likely benign. Last evaluated: 2024-11-05. Review status: criteria provided, single submitter. Criteria: ACMG Guidelines, 2015. Collection method: clinical testing. Allele origin: germline.

CeGaT Center for Human Genetics Tuebingen
Classification: Likely benign. Last evaluated: 2024-10-01. Review status: criteria provided, single submitter. Criteria: CeGaT Center For Human Genetics Tuebingen Variant Classification Criteria Version 2. Collection method: clinical testing. Allele origin: germline. Affected: yes. Observed: 4 variant alleles.
Comment: LRP2: BP4, BP7

Genome-Nilou Lab
Classification: Likely benign for Donnai-Barrow syndrome. Last evaluated: 2021-07-15. Review status: criteria provided, single submitter. Criteria: ACMG Guidelines, 2015. Collection method: clinical testing. Allele origin: germline. Affected: no.

Illumina Laboratory Services, Illumina
Classification: Uncertain significance for Donnai-Barrow syndrome. Last evaluated: 2018-01-13. Review status: criteria provided, single submitter. Criteria: ICSL Variant Classification Criteria 13 December 2019. Collection method: clinical testing. Allele origin: germline.